The following is an entry in ClinVar:

ClinVar aggregate classification (germline): Uncertain significance. Review status: criteria provided, multiple submitters, no conflicts (2 of 4 stars). 4 submissions from 4 submitters: Uncertain significance (4). Last evaluated 2024-03-04.

Conditions:
Inborn genetic diseases. Identifiers: MedGen C0950123, MeSH D030342.
Familial infantile myasthenia (CMS6). Also called: MYASTHENIC SYNDROME, PRESYNAPTIC, CONGENITAL, ASSOCIATED WITH EPISODIC APNEA; MYASTHENIC SYNDROME, CONGENITAL, 6, PRESYNAPTIC; Congenital myasthenic syndrome type 6. Identifiers: Orphanet 590, MedGen C0393929, MONDO:0009689, OMIM 254210.

Allele frequency attached by ClinVar (database versions not stated): gnomAD exomes 0.00002; TOPMed 0.00006.
gnomAD v4.1: 93 of 1,546,434 alleles (0.006%); highest among the groups gnomAD compares: Middle Eastern, 0.046%; no homozygotes.

Submissions (4):

Revvity Omics, Revvity
Classification: Uncertain significance for Familial infantile myasthenia. Last evaluated: 2024-03-04. Review status: criteria provided, single submitter. Criteria: ACMG Guidelines, 2015. Collection method: clinical testing. Allele origin: germline.

Ambry Genetics
Classification: Uncertain significance for Inborn genetic diseases. Last evaluated: 2023-10-20. Review status: criteria provided, single submitter. Criteria: Ambry Variant Classification Scheme 2023. Collection method: clinical testing. Allele origin: germline.

Labcorp Genetics (formerly Invitae), Labcorp
Classification: Uncertain significance for Familial infantile myasthenia. Last evaluated: 2022-03-29. Review status: criteria provided, single submitter. Criteria: Invitae Variant Classification Sherloc (09022015). Collection method: clinical testing. Allele origin: germline.
Comment: This sequence change replaces glycine, which is neutral and non-polar, with arginine, which is basic and polar, at codon 53 of the CHAT protein (p.Gly53Arg). The frequency data for this variant in the population databases is considered unreliable, as metrics indicate poor data quality at this position in the gnomAD database. This variant has not been reported in the literature in individuals affected with CHAT-related conditions. ClinVar contains an entry for this variant (Variation ID: 1026742). Advanced modeling of protein sequence and biophysical properties (such as structural, functional, and spatial information, amino acid conservation, physicochemical variation, residue mobility, and thermodynamic stability) performed at Invitae indicates that this missense variant is not expected to disrupt CHAT protein function. In summary, the available evidence is currently insufficient to determine the role of this variant in disease. Therefore, it has been classified as a Variant of Uncertain Significance.

Breakthrough Genomics
Classification: Uncertain significance. Review status: criteria provided, single submitter. Criteria: ACMG Guidelines, 2015. Collection method: not provided. Allele origin: germline. Inheritance: Autosomal recessive inheritance. Affected: yes.

NM_020549.5(CHAT):c.157G>A (p.Gly53Arg)

Gene: CHAT (choline O-acetyltransferase; plus strand). Cytogenetic location: 10q11.23.
Variant type: single nucleotide variant.
Coding change: c.157G>A on transcript NM_020549.5 (MANE Select); coding-DNA position 157, G replaced by A.
Protein change: p.Gly53Arg; replaces glycine 53 with arginine.
Molecular consequence: missense variant. On other transcripts: 5 prime UTR variant (4), intron variant (2).
Genome position (GRCh38, 1-based): chr10:49,614,346, G>A. VCF-style: chr10-49614346-G-A. GRCh37 (hg19) VCF-style: chr10-50822392-G-A.
Other names: c.-198G>A (NM_001142929.2, NM_020985.4); c.-160G>A (NM_001142933.2); c.-268G>A (NM_001142934.2); c.-68-2156G>A (NM_020984.4); c.-69+1144G>A (NM_020986.4); c.157G>A (NM_020549.4); short protein forms G53R.
Identifiers: ClinVar variation 1026742 (VCV001026742.8), dbSNP rs968331105, ClinGen allele CA376725114.